The following is an entry in ClinVar:

NM_024426.6(WT1):c.966-9C>G

Gene: WT1 (WT1 transcription factor; minus strand). Cytogenetic location: 11p13.
Variant type: single nucleotide variant.
Coding change: c.966-9C>G on transcript NM_024426.6 (MANE Select); 9 bases into the intron before coding-DNA position 966, C replaced by G.
Molecular consequence: intron variant.
Genome position (GRCh38, 1-based): chr11:32,416,549, G>C on the plus strand (C>G on the coding strand, the complement: WT1 is on the minus strand). VCF-style: chr11-32416549-G-C. GRCh37 (hg19) VCF-style: chr11-32438095-G-C.
Other names: c.842+1028C>G (NM_001407050.1); c.843-9C>G (NM_001407047.1); c.965+1028C>G (NM_001407048.1, NM_001407049.1, NM_000378.6 and 1 more transcripts); c.966-9C>G (NM_001407044.1, NM_001407046.1, NM_024424.5); c.204-9C>G (NM_001407051.1); c.314+1028C>G (NM_001198552.2); c.315-9C>G (NM_001198551.2).
Identifiers: ClinVar variation 3074617 (VCV003074617.1), dbSNP rs2133032795, ClinGen allele CA2723456069.

ClinVar aggregate classification (germline): Likely benign (1 of 4 stars; one submission).

Conditions:
Wilms tumor 1 (WT1). Also called: Wilms tumor, somatic. Identifiers: Orphanet 654, MedGen CN033288, MONDO:0008679, OMIM 194070.

Submission:

All of Us Research Program, National Institutes of Health
Classification: Likely benign for Wilms tumor 1. Last evaluated: 2023-11-20. Review status: criteria provided, single submitter. Criteria: ACMG Guidelines, 2015. Collection method: clinical testing. Allele origin: germline. Inheritance: Autosomal dominant inheritance. Observed: 1 variant allele, 1 heterozygote.
Comment: This study involves interpretation of variants in research participants for the purpose of population health screening. Participant phenotype was not available at the time of variant classification. Additional details can be found in publication PMID: 35346344, PMCID: PMC8962531